The following is an entry in ClinVar:

NM_000051.4(ATM):c.7317A>G (p.Val2439=)

Genes: ATM (ATM serine/threonine kinase; plus strand), C11orf65 (chromosome 11 open reading frame 65; minus strand). Cytogenetic location: 11q22.3.
Variant type: single nucleotide variant.
Coding change: c.7317A>G on transcript NM_000051.4 (MANE Select); coding-DNA position 7317, A replaced by G.
Protein change: p.Val2439=; no amino-acid change (valine 2439 retained).
Molecular consequence: synonymous variant. On other transcripts: intron variant (2).
Genome position (GRCh38, 1-based): chr11:108,330,223, A>G. VCF-style: chr11-108330223-A-G. GRCh37 (hg19) VCF-style: chr11-108200950-A-G.
Other names: c.7317A>G, p.Val2439= (NM_001351834.2); c.641-21152T>C (NM_001330368.2); c.*38+4997T>C (NM_001351110.2).
Identifiers: ClinVar variation 236770 (VCV000236770.20), dbSNP rs878853542, ClinGen allele CA10582850.

ClinVar aggregate classification (germline): Benign/Likely benign. Review status: criteria provided, multiple submitters, no conflicts (2 of 4 stars). 6 submissions from 6 submitters: Benign (1); Likely benign (5). Last evaluated 2025-01-12.

Conditions:
Hereditary cancer-predisposing syndrome. Also called: Neoplastic Syndromes, Hereditary; Hereditary neoplastic syndrome; Tumor predisposition; Hereditary Cancer Syndrome. Identifiers: Orphanet 140162, MedGen C0027672, MeSH D009386, MONDO:0015356.
Ataxia-telangiectasia syndrome (AT). Also called: Ataxia telangiectasia (A-T); Cerebello-oculocutaneous telangiectasia; Immunodeficiency with ataxia telangiectasia; LOUIS-BAR SYNDROME; AT, COMPLEMENTATION GROUP C; ATAXIA-TELANGIECTASIA, FRESNO VARIANT. Identifiers: Orphanet 100, MedGen C0004135, MONDO:0008840, OMIM 208900.
Familial cancer of breast. Also called: hereditary breast carcinoma; Hereditary breast cancer; BREAST CANCER, FAMILIAL. Identifiers: Orphanet 227535, MedGen C0346153, MONDO:0016419, OMIM 114480. Disease mechanism: loss of function.

Allele frequency attached by ClinVar (database versions not stated): gnomAD 0.00001; gnomAD exomes 0.00001; TOPMed 0.00001.
gnomAD v4.1: 9 of 1,613,936 alleles (0.00056%); highest among the groups gnomAD compares: Middle Eastern, 0.033%; no homozygotes.

Submissions (6):

Labcorp Genetics (formerly Invitae), Labcorp
Classification: Likely benign for Ataxia-telangiectasia syndrome. Last evaluated: 2025-01-12. Review status: criteria provided, single submitter. Criteria: Invitae Variant Classification Sherloc (09022015). Collection method: clinical testing. Allele origin: germline.

Myriad Genetics, Inc.
Classification: Benign for Familial cancer of breast. Last evaluated: 2024-06-13. Review status: criteria provided, single submitter. Criteria: Myriad Autosomal Dominant, Autosomal Recessive and X-Linked Classification Criteria (2023). Collection method: clinical testing. Allele origin: unknown.
Comment: This variant is considered benign. This variant is a silent/synonymous amino acid change and it is not expected to impact splicing.

KCCC/NGS Laboratory, Kuwait Cancer Control Center
Classification: Likely benign for Familial cancer of breast. Last evaluated: 2023-07-07. Review status: criteria provided, single submitter. Criteria: ACMG Guidelines, 2015. Collection method: clinical testing. Allele origin: germline. Affected: yes.

GeneDx
Classification: Likely benign. Last evaluated: 2017-12-21. Review status: criteria provided, single submitter. Criteria: GeneDx Variant Classification (06012015). Collection method: clinical testing. Allele origin: germline. Affected: yes.
Comment: This variant is considered likely benign or benign based on one or more of the following criteria: it is a conservative change, it occurs at a poorly conserved position in the protein, it is predicted to be benign by multiple in silico algorithms, and/or has population frequency not consistent with disease.

Ambry Genetics
Classification: Likely benign for Hereditary cancer-predisposing syndrome. Last evaluated: 2017-09-08. Review status: criteria provided, single submitter. Criteria: Ambry Variant Classification Scheme 2023. Collection method: clinical testing. Allele origin: germline.

Color Diagnostics, LLC DBA Color Health
Classification: Likely benign for Hereditary cancer-predisposing syndrome. Last evaluated: 2016-06-06. Review status: criteria provided, single submitter. Criteria: ACMG Guidelines, 2015. Collection method: clinical testing. Allele origin: germline.